The following is an entry in ClinVar:

ClinVar aggregate classification (germline): Uncertain significance. Review status: criteria provided, multiple submitters, no conflicts (2 of 4 stars). 2 submissions from 2 submitters: Uncertain significance (2). Last evaluated 2025-10-14.

gnomAD v4.1: 4 of 1,613,022 alleles (0.00025%); highest among the groups gnomAD compares: Admixed American, 0.0017%; no homozygotes.

Submissions (2):

Labcorp Genetics (formerly Invitae), Labcorp
Classification: Uncertain significance. Last evaluated: 2025-10-14. Review status: criteria provided, single submitter. Criteria: Invitae Variant Classification Sherloc (09022015). Collection method: clinical testing. Allele origin: germline.
Comment: This sequence change replaces proline, which is neutral and non-polar, with serine, which is neutral and polar, at codon 78 of the SLCO5A1 protein (p.Pro78Ser). This variant is present in population databases (no rsID available, gnomAD 0.003%). This variant has not been reported in the literature in individuals affected with SLCO5A1-related conditions. An algorithm developed to predict the effect of missense changes on protein structure and function outputs the following: PolyPhen-2: "Benign". The serine amino acid residue is found in multiple mammalian species, which suggests that this missense change does not adversely affect protein function. In summary, the available evidence is currently insufficient to determine the role of this variant in disease. Therefore, it has been classified as a Variant of Uncertain Significance.

Ambry Genetics
Classification: Uncertain significance. Last evaluated: 2025-09-01. Review status: criteria provided, single submitter. Criteria: Ambry Variant Classification Scheme 2023. Collection method: clinical testing. Allele origin: germline.

NM_030958.3(SLCO5A1):c.232C>T (p.Pro78Ser)

Gene: SLCO5A1 (solute carrier organic anion transporter family member 5A1; minus strand). Cytogenetic location: 8q13.3.
Variant type: single nucleotide variant.
Coding change: c.232C>T on transcript NM_030958.3 (MANE Select); coding-DNA position 232, C replaced by T.
Protein change: p.Pro78Ser; replaces proline 78 with serine.
Molecular consequence: missense variant.
Genome position (GRCh38, 1-based): chr8:69,832,442, G>A on the plus strand (C>T on the coding strand, the complement: SLCO5A1 is on the minus strand). VCF-style: chr8-69832442-G-A. GRCh37 (hg19) VCF-style: chr8-70744677-G-A.
Other names: c.232C>T, p.Pro78Ser (NM_001146008.2, NM_001146009.1); short protein forms P78S.
Identifiers: ClinVar variation 4169553 (VCV004169553.2).